The following is an entry in ClinVar:

ClinVar aggregate classification (germline): Pathogenic/Likely pathogenic. Review status: criteria provided, multiple submitters, no conflicts (2 of 4 stars). 3 submissions from 3 submitters: Pathogenic (2); Likely pathogenic (1). Last evaluated 2025-08-01.

Conditions:
Leber congenital amaurosis 2 (LCA2). Also called: Autosomal Recessive RPE65-Related Retinal Degeneration; AMAUROSIS CONGENITA OF LEBER II. Identifiers: Orphanet 65, MedGen C1859844, MONDO:0008765, OMIM 204100. Disease mechanism: loss of function.
Retinitis pigmentosa 20 (RP20). Identifiers: Orphanet 791, MedGen C3151086, MONDO:0013425, OMIM 613794.
Leber congenital amaurosis (LCA). Also called: Leber's amaurosis. Identifiers: Orphanet 65, MedGen C0339527, MeSH D057130, MONDO:0018998.

Allele frequency attached by ClinVar (database versions not stated): gnomAD exomes below 0.00001.

Submissions (3):

Natera, Inc.
Classification: Likely pathogenic for Leber congenital amaurosis. Last evaluated: 2025-08-01. Review status: criteria provided, single submitter. Criteria: Natera Variant Classification Schema (03/2026). Collection method: clinical testing. Allele origin: germline.
Comment: The c.716dupA variant in RPE65 is a frameshift variant predicted to shift the reading frame and introduce a stop codon. This variant is expected to result in nonsense mediated decay, truncation, or a dysfunctional protein product. This variant is rare in the general population with a frequency below the threshold expected for the associated phenotype(s). Given the available evidence, this variant is classified as Likely Pathogenic.

Revvity Omics, Revvity
Classification: Pathogenic. Last evaluated: 2024-02-28. Review status: criteria provided, single submitter. Criteria: ACMG Guidelines, 2015. Collection method: clinical testing. Allele origin: germline.

Labcorp Genetics (formerly Invitae), Labcorp
Classification: Pathogenic for Leber congenital amaurosis 2; Retinitis pigmentosa 20. Last evaluated: 2022-09-13. Review status: criteria provided, single submitter. Criteria: Invitae Variant Classification Sherloc (09022015). Collection method: clinical testing. Allele origin: germline.
Comment: For these reasons, this variant has been classified as Pathogenic. Algorithms developed to predict the effect of sequence changes on RNA splicing suggest that this variant may disrupt the consensus splice site. This variant has not been reported in the literature in individuals affected with RPE65-related conditions. This variant is not present in population databases (gnomAD no frequency). This sequence change creates a premature translational stop signal (p.Tyr239*) in the RPE65 gene. It is expected to result in an absent or disrupted protein product. Loss-of-function variants in RPE65 are known to be pathogenic (PMID: 9326941, 9501220, 9843205, 18632300).

Literature cited by the submitters: PubMed 9326941 (cited by Labcorp Genetics (formerly Invitae), Labcorp); PubMed 9501220 (cited by Labcorp Genetics (formerly Invitae), Labcorp); PubMed 9843205 (cited by Labcorp Genetics (formerly Invitae), Labcorp); PubMed 18632300 (cited by Labcorp Genetics (formerly Invitae), Labcorp).

NM_000329.3(RPE65):c.716dup (p.Tyr239Ter)

Gene: RPE65 (retinoid isomerohydrolase RPE65; minus strand). Cytogenetic location: 1p31.3.
Variant type: Duplication.
Coding change: c.716dup on transcript NM_000329.3 (MANE Select); coding-DNA position 716, one base duplicated (A; older notation c.716dupA).
Protein change: p.Tyr239Ter; replaces tyrosine 239 with a stop codon.
Molecular consequence: nonsense. On other transcripts: frameshift variant (4).
Genome position (GRCh38, 1-based): chr1:68,439,570, T duplicated on the plus strand (A on the coding strand, the reverse complement: RPE65 is on the minus strand). VCF-style (leftmost placement, unchanged base first): chr1-68439569-G-GT. GRCh37 (hg19) VCF-style: chr1-68905252-G-GT.
Other names: c.716dupA (NM_000329.2); c.608dup, p.Tyr203Terfs (NM_001406853.1); c.440dup, p.Tyr147Terfs (NM_001406856.1, NM_001406857.1); c.716dup, p.Tyr239Terfs (NM_001406859.1); short protein forms Y239*.
Identifiers: ClinVar variation 2091401 (VCV002091401.6), dbSNP rs1645885777, ClinGen allele CA1173561372.
Genomic context (GRCh38, chr1:68,439,569, plus strand): 5'-AAATCTTTAAACTTGAGTTTTCCTGAAGATTCATAGCAGGCCTTCAAGTTACCTATGAAC[G>GT]TAAGATGGCTTGAATCGGTCACTGCAGGGGAATTGTACAACGATCTCTGACTTGCTTATT-3'